The following is an entry in ClinVar:

NM_032590.5(KDM2B):c.461C>A (p.Ser154Tyr)

Gene: KDM2B (lysine demethylase 2B; minus strand). Cytogenetic location: 12q24.31.
Variant type: single nucleotide variant.
Coding change: c.461C>A on transcript NM_032590.5 (MANE Select); coding-DNA position 461, C replaced by A.
Protein change: p.Ser154Tyr; replaces serine 154 with tyrosine.
Molecular consequence: missense variant.
Genome position (GRCh38, 1-based): chr12:121,549,575, G>T on the plus strand (C>A on the coding strand, the complement: KDM2B is on the minus strand). VCF-style: chr12-121549575-G-T. GRCh37 (hg19) VCF-style: chr12-121987480-G-T.
Other names: c.368C>A, p.Ser123Tyr (NM_001005366.2); short protein forms S123Y, S154Y.
Identifiers: ClinVar variation 3351021 (VCV003351021.1).

ClinVar aggregate classification (germline): Uncertain significance (0 of 4 stars; one submission).

Conditions:
KDM2B-related disorder. Also called: KDM2B-related condition.

Submission:

PreventionGenetics, part of Exact Sciences
Classification: Uncertain significance for KDM2B-related condition. Last evaluated: 2024-03-22. Review status: no assertion criteria provided. Collection method: clinical testing. Allele origin: germline.
Comment: The KDM2B c.461C>A variant is predicted to result in the amino acid substitution p.Ser154Tyr. To our knowledge, this variant has not been reported in the literature or in a large population database, indicating this variant is rare. At this time, the clinical significance of this variant is uncertain due to the absence of conclusive functional and genetic evidence.